The following is an entry in ClinVar:

ClinVar aggregate classification (germline): Uncertain significance (1 of 4 stars; one submission).

Conditions:
Paroxysmal nonkinesigenic dyskinesia. Also called: Paroxysmal non-kinesigenic dyskinesia. Identifiers: Orphanet 98810, MedGen C1869117, MONDO:0700088.

gnomAD v4.1: 1 of 1,612,778 alleles (0.000062%); highest among the groups gnomAD compares: African/African-American, 0.0013%; no homozygotes.

Submission:

Labcorp Genetics (formerly Invitae), Labcorp
Classification: Uncertain significance for Paroxysmal nonkinesigenic dyskinesia. Last evaluated: 2022-10-17. Review status: criteria provided, single submitter. Criteria: Invitae Variant Classification Sherloc (09022015). Collection method: clinical testing. Allele origin: germline.
Comment: This sequence change replaces isoleucine, which is neutral and non-polar, with asparagine, which is neutral and polar, at codon 124 of the PNKD protein (p.Ile124Asn). In summary, the available evidence is currently insufficient to determine the role of this variant in disease. Therefore, it has been classified as a Variant of Uncertain Significance. Advanced modeling of protein sequence and biophysical properties (such as structural, functional, and spatial information, amino acid conservation, physicochemical variation, residue mobility, and thermodynamic stability) performed at Invitae indicates that this missense variant is expected to disrupt PNKD protein function. ClinVar contains an entry for this variant (Variation ID: 838816). This variant has not been reported in the literature in individuals affected with PNKD-related conditions. This variant is not present in population databases (gnomAD no frequency).

NM_015488.5(PNKD):c.371T>A (p.Ile124Asn)

Genes: CATIP-AS2 (CATIP antisense RNA 2; minus strand), PNKD (PNKD metallo-beta-lactamase domain containing; plus strand). Cytogenetic location: 2q35.
Variant type: single nucleotide variant.
Coding change: c.371T>A on transcript NM_015488.5 (MANE Select); coding-DNA position 371, T replaced by A.
Protein change: p.Ile124Asn; replaces isoleucine 124 with asparagine.
Molecular consequence: missense variant.
Genome position (GRCh38, 1-based): chr2:218,340,047, T>A. VCF-style: chr2-218340047-T-A. GRCh37 (hg19) VCF-style: chr2-219204770-T-A.
Other names: c.299T>A, p.Ile100Asn (NM_022572.5); short protein forms I124N, I100N.
Identifiers: ClinVar variation 838816 (VCV000838816.9), dbSNP rs762861678, ClinGen allele CA350538402.